The following is an entry in ClinVar:

ClinVar aggregate classification (germline): Benign/Likely benign. Review status: criteria provided, multiple submitters, no conflicts (2 of 4 stars). 9 submissions from 9 submitters: Benign (2); Likely benign (7). Last evaluated 2026-01-28.

Conditions:
Ehlers-Danlos syndrome, classic type, 1 (EDSCL1). Also called: EHLERS-DANLOS SYNDROME, GRAVIS TYPE; EHLERS-DANLOS SYNDROME, SEVERE CLASSIC TYPE; Ehlers-Danlos syndrome, type 1; EDS I; Ehlers-Danlos Syndrome, Classic Type, COL5A1-Related. Identifiers: MedGen C0268335, MONDO:0019567, OMIM 130000.
Ehlers-Danlos syndrome (EDS). Identifiers: Orphanet 98249, MedGen C0013720, MONDO:0020066.
COL5A2-related disorder. Also called: COL5A2-related condition.
Familial thoracic aortic aneurysm and aortic dissection (TAAD). Also called: Thoracic aortic aneurysms and dissections. Identifiers: Orphanet 91387, MedGen C4707243, MONDO:0019625.
Ehlers-Danlos syndrome, classic type, 2 (EDSCL2). Also called: Ehlers-Danlos syndrome, type 2; Ehlers-Danlos syndrome type 2 (formerly); Ehlers-Danlos Syndrome, Classic Type, COL5A2-Related. Identifiers: Orphanet 287, Orphanet 90318, MedGen C0268336, MONDO:0019568, OMIM 130010.

Submissions (11):

PreventionGenetics, part of Exact Sciences
Classification: Likely benign for COL5A2-related condition. Last evaluated: 2026-01-28. Review status: criteria provided, single submitter. Criteria: ACMG Guidelines, 2015. Collection method: clinical testing. Allele origin: germline.
Comment: This variant is classified as likely benign based on ACMG/AMP sequence variant interpretation guidelines (Richards et al. 2015 PMID: 25741868, with internal and published modifications).

Labcorp Genetics (formerly Invitae), Labcorp
Classification: Benign for Ehlers-Danlos syndrome, classic type, 1. Last evaluated: 2026-01-20. Review status: criteria provided, single submitter. Criteria: Invitae Variant Classification Sherloc (09022015). Collection method: clinical testing. Allele origin: germline.

Women's Health and Genetics/Laboratory Corporation of America, LabCorp
Classification: Benign. Last evaluated: 2025-07-21. Review status: criteria provided, single submitter. Criteria: LabCorp Variant Classification Summary - May 2015. Collection method: clinical testing. Allele origin: germline.
Comment: Variant summary: COL5A2 c.961-3delT alters a nucleotide located close to a canonical splice site and therefore could affect mRNA splicing, leading to a significantly altered protein sequence. Several computational tools predict a significant impact on normal splicing: Three predict the variant no significant impact on splicing. One predict the variant weakens a 5' donor site. However, these predictions have yet to be confirmed by functional studies. The variant allele was found at a frequency of 0.00052 in 1541394 control chromosomes (gnomAD v4.1). The observed variant frequency is approximately 83 fold of the estimated maximal expected allele frequency for a pathogenic variant in COL5A2 causing Ehlers-Danlos Syndrome phenotype (6.3e-06). To our knowledge, no occurrence of c.961-3delT in individuals affected with Ehlers-Danlos Syndrome and no experimental evidence demonstrating its impact on protein function have been reported. ClinVar contains an entry for this variant (Variation ID: 285912). Based on the evidence outlined above, the variant was classified as benign.

Blueprint Genetics
Classification: Likely benign. Last evaluated: 2024-06-13. Review status: criteria provided, single submitter. Criteria: ACMG Guidelines, 2015. Collection method: clinical testing. Allele origin: germline.

ARUP Laboratories, Molecular Genetics and Genomics, ARUP Laboratories
Classification: Likely benign for Ehlers-Danlos syndrome, classic type, 2. Last evaluated: 2023-02-15. Review status: criteria provided, single submitter. Criteria: ARUP Molecular Germline Variant Investigation Process 2024. Collection method: clinical testing. Allele origin: germline.

Ambry Genetics
Classification: Likely benign for Familial thoracic aortic aneurysm and aortic dissection. Last evaluated: 2021-08-18. Review status: criteria provided, single submitter. Criteria: Ambry Variant Classification Scheme 2023. Collection method: clinical testing. Allele origin: germline.

Genome Diagnostics Laboratory, The Hospital for Sick Children
Classification: Likely benign for Ehlers-Danlos syndrome. Last evaluated: 2019-12-01. Review status: criteria provided, single submitter. Criteria: ACMG Guidelines, 2015. Collection method: clinical testing. Allele origin: germline.

GeneDx
Classification: Likely benign. Last evaluated: 2016-09-27. Review status: criteria provided, single submitter. Criteria: GeneDx Variant Classification (06012015). Collection method: clinical testing. Allele origin: germline. Affected: yes.
Comment: This variant is considered likely benign or benign based on one or more of the following criteria: it is a conservative change, it occurs at a poorly conserved position in the protein, it is predicted to be benign by multiple in silico algorithms, and/or has population frequency not consistent with disease.

Eurofins Ntd Llc (ga)
Classification: Likely benign. Last evaluated: 2016-02-05. Review status: criteria provided, single submitter. Criteria: EGL Classification Definitions 2015. Collection method: clinical testing. Allele origin: germline. Observed: 1 variant allele, 1 heterozygote.

Dr. Peter K. Rogan Lab, Western University
No classification provided (evidence only). Condition: Papillary renal cell carcinoma type 1. Review status: no classification provided. Collection method: in vitro. Allele origin: not applicable. Functional consequence: retained intron. Not counted in ClinVar's aggregate classification.

Dr. Peter K. Rogan Lab, Western University
No classification provided (evidence only). Condition: Sarcoma. Review status: no classification provided. Collection method: in vitro. Allele origin: not applicable. Functional consequence: skipped exon. Not counted in ClinVar's aggregate classification.

NM_000393.5(COL5A2):c.961-3del

Gene: COL5A2 (collagen type V alpha 2 chain; minus strand). Cytogenetic location: 2q32.2.
Variant type: Deletion.
Coding change: c.961-3del on transcript NM_000393.5 (MANE Select); 3 bases into the intron before coding-DNA position 961, one base deleted (T; older notation c.961-3delT).
Molecular consequence: intron variant.
Genome position (GRCh38, 1-based): chr2:189,079,110, A deleted on the plus strand (T on the coding strand, the reverse complement: COL5A2 is on the minus strand); the first of 9 consecutive A bases (chr2:189,079,110-189,079,118); deleting any one gives the same sequence. VCF-style (leftmost placement, unchanged base first): chr2-189079109-TA-T. GRCh37 (hg19) VCF-style: chr2-189943835-TA-T.
Other names: c.961-11del (NM_000393.5); c.961-3delT (NM_000393.4, NM_000393.5); c.961-3del (NM_000393.3).
Identifiers: ClinVar variation 285912 (VCV000285912.29), dbSNP rs542134887, ClinGen allele CA2022879.